The following is an entry in ClinVar:

ClinVar aggregate classification (germline): Uncertain significance. Review status: criteria provided, multiple submitters, no conflicts (2 of 4 stars). 4 submissions from 4 submitters: Uncertain significance (2). 2 of the submissions do not count toward it. Last evaluated 2022-07-26.

Allele frequency attached by ClinVar (database versions not stated): TOPMed 0.00005.
gnomAD v4.1: 176 of 1,607,168 alleles (0.011%); highest among the groups gnomAD compares: South Asian, 0.098%; 2 homozygotes.

Submissions (4):

Labcorp Genetics (formerly Invitae), Labcorp
Classification: Uncertain significance. Last evaluated: 2022-07-26. Review status: criteria provided, single submitter. Criteria: Invitae Variant Classification Sherloc (09022015). Collection method: clinical testing. Allele origin: germline.
Comment: This sequence change replaces glycine, which is neutral and non-polar, with serine, which is neutral and polar, at codon 647 of the LAMC3 protein (p.Gly647Ser). This variant also falls at the last nucleotide of exon 11, which is part of the consensus splice site for this exon. This variant is present in population databases (rs144242690, gnomAD 0.09%), including at least one homozygous and/or hemizygous individual. This variant has not been reported in the literature in individuals affected with LAMC3-related conditions. ClinVar contains an entry for this variant (Variation ID: 211362). Algorithms developed to predict the effect of missense changes on protein structure and function are either unavailable or do not agree on the potential impact of this missense change (SIFT: "Tolerated"; PolyPhen-2: "Probably Damaging"; Align-GVGD: "Class C0"). Variants that disrupt the consensus splice site are a relatively common cause of aberrant splicing (PMID: 17576681, 9536098). Algorithms developed to predict the effect of sequence changes on RNA splicing suggest that this variant may disrupt the consensus splice site. In summary, the available evidence is currently insufficient to determine the role of this variant in disease. Therefore, it has been classified as a Variant of Uncertain Significance.

Genetic Services Laboratory, University of Chicago
Classification: Uncertain significance. Last evaluated: 2014-07-07. Review status: criteria provided, single submitter. Criteria: ACMG Guidelines, 2015. Collection method: clinical testing. Allele origin: germline.

Clinical Genetics DNA and cytogenetics Diagnostics Lab, Erasmus MC, Erasmus Medical Center
Classification: Uncertain significance. Review status: no assertion criteria provided. Collection method: clinical testing. Allele origin: germline. Affected: yes. Study: VKGL Data-share Consensus. Not counted in ClinVar's aggregate classification.

Joint Genome Diagnostic Labs from Nijmegen and Maastricht, Radboudumc and MUMC+
Classification: Uncertain significance. Review status: no assertion criteria provided. Collection method: clinical testing. Allele origin: germline. Affected: yes. Study: VKGL Data-share Consensus. Not counted in ClinVar's aggregate classification.

Literature cited by the submitters: PubMed 17576681 (cited by Labcorp Genetics (formerly Invitae), Labcorp); PubMed 9536098 (cited by Labcorp Genetics (formerly Invitae), Labcorp).

NM_006059.4(LAMC3):c.1939G>A (p.Gly647Ser)

Gene: LAMC3 (laminin subunit gamma 3; plus strand). Cytogenetic location: 9q34.12.
Variant type: single nucleotide variant.
Coding change: c.1939G>A on transcript NM_006059.4 (MANE Select); coding-DNA position 1939, G replaced by A.
Protein change: p.Gly647Ser; replaces glycine 647 with serine.
Molecular consequence: missense variant.
Genome position (GRCh38, 1-based): chr9:131,052,965, G>A. VCF-style: chr9-131052965-G-A. GRCh37 (hg19) VCF-style: chr9-133928352-G-A.
Other names: short protein forms G647S.
Identifiers: ClinVar variation 211362 (VCV000211362.13), dbSNP rs144242690, ClinGen allele CA206867.